The following is an entry in ClinVar:

NM_006019.4(TCIRG1):c.2464C>T (p.Pro822Ser)

Gene: TCIRG1 (T cell immune regulator 1, ATPase H+ transporting V0 subunit a3; plus strand). Cytogenetic location: 11q13.2.
Variant type: single nucleotide variant.
Coding change: c.2464C>T on transcript NM_006019.4 (MANE Select); coding-DNA position 2464, C replaced by T.
Protein change: p.Pro822Ser; replaces proline 822 with serine.
Molecular consequence: missense variant.
Genome position (GRCh38, 1-based): chr11:68,050,790, C>T. VCF-style: chr11-68050790-C-T. GRCh37 (hg19) VCF-style: chr11-67818257-C-T.
Other names: c.1570C>T, p.Pro524Ser (NM_001351059.2); c.1816C>T, p.Pro606Ser (NM_006053.4); short protein forms P822S, P606S, P524S.
Identifiers: ClinVar variation 2224860 (VCV002224860.3), dbSNP rs1264287480, ClinGen allele CA381593015.

ClinVar aggregate classification (germline): Uncertain significance. Review status: criteria provided, multiple submitters, no conflicts (2 of 4 stars). 2 submissions from 2 submitters: Uncertain significance (2). Last evaluated 2025-02-08.

Conditions:
Inborn genetic diseases. Identifiers: MedGen C0950123, MeSH D030342.

Allele frequency attached by ClinVar (database versions not stated): gnomAD 0.00001; gnomAD exomes 0.00001; TOPMed 0.00002.
gnomAD v4.1: 12 of 1,613,688 alleles (0.00074%); highest among the groups gnomAD compares: East Asian, 0.022%; no homozygotes.

Submissions (2):

Labcorp Genetics (formerly Invitae), Labcorp
Classification: Uncertain significance. Last evaluated: 2025-02-08. Review status: criteria provided, single submitter. Criteria: Invitae Variant Classification Sherloc (09022015). Collection method: clinical testing. Allele origin: germline.
Comment: This sequence change replaces proline, which is neutral and non-polar, with serine, which is neutral and polar, at codon 822 of the TCIRG1 protein (p.Pro822Ser). This variant is present in population databases (no rsID available, gnomAD 0.01%). This variant has not been reported in the literature in individuals affected with TCIRG1-related conditions. ClinVar contains an entry for this variant (Variation ID: 2224860). Invitae Evidence Modeling of protein sequence and biophysical properties (such as structural, functional, and spatial information, amino acid conservation, physicochemical variation, residue mobility, and thermodynamic stability) has been performed for this missense variant. However, the output from this modeling did not meet the statistical confidence thresholds required to predict the impact of this variant on TCIRG1 protein function. In summary, the available evidence is currently insufficient to determine the role of this variant in disease. Therefore, it has been classified as a Variant of Uncertain Significance.

Ambry Genetics
Classification: Uncertain significance for Inborn genetic diseases. Last evaluated: 2022-09-14. Review status: criteria provided, single submitter. Criteria: Ambry Variant Classification Scheme 2023. Collection method: clinical testing. Allele origin: germline.